The following is an entry in ClinVar:

NM_203447.4(DOCK8):c.4004T>C (p.Val1335Ala)

Gene: DOCK8 (dedicator of cytokinesis 8; plus strand). Cytogenetic location: 9p24.3.
Variant type: single nucleotide variant.
Coding change: c.4004T>C on transcript NM_203447.4 (MANE Select); coding-DNA position 4004, T replaced by C.
Protein change: p.Val1335Ala; replaces valine 1335 with alanine.
Molecular consequence: missense variant.
Genome position (GRCh38, 1-based): chr9:420,564, T>C. VCF-style: chr9-420564-T-C. GRCh37 (hg19) VCF-style: chr9-420564-T-C.
Other names: c.3704T>C, p.Val1235Ala (NM_001190458.2); c.3800T>C, p.Val1267Ala (NM_001193536.2); c.4004T>C (NM_203447.3); short protein forms V1235A, V1267A, V1335A.
Identifiers: ClinVar variation 1014761 (VCV001014761.7), dbSNP rs763029509, ClinGen allele CA4958887.

ClinVar aggregate classification (germline): Uncertain significance. Review status: criteria provided, multiple submitters, no conflicts (2 of 4 stars). 2 submissions from 2 submitters: Uncertain significance (2). Last evaluated 2021-11-15.

Conditions:
Inborn genetic diseases. Identifiers: MedGen C0950123, MeSH D030342.
Combined immunodeficiency due to DOCK8 deficiency (HIES2). Also called: Hyper-IgE recurrent infection syndrome, autosomal recessive; DOCK8 Deficiency; HIES autosomal recessive; HYPER-IgE RECURRENT INFECTION SYNDROME 2, AUTOSOMAL RECESSIVE; HYPER-IgE SYNDROME 2, AUTOSOMAL RECESSIVE, WITH RECURRENT INFECTIONS. Identifiers: Orphanet 217390, MedGen C4722305, MONDO:0009478, OMIM 243700.

Allele frequency attached by ClinVar (database versions not stated): ExAC 0.00002; gnomAD 0.00002; TOPMed 0.00003; gnomAD exomes 0.00004.
gnomAD v4.1: 66 of 1,614,060 alleles (0.0041%); highest among the groups gnomAD compares: Non-Finnish European, 0.0044%; no homozygotes.

Submissions (2):

Ambry Genetics
Classification: Uncertain significance for Inborn genetic diseases. Last evaluated: 2021-11-15. Review status: criteria provided, single submitter. Criteria: Ambry Variant Classification Scheme 2023. Collection method: clinical testing. Allele origin: germline.

Labcorp Genetics (formerly Invitae), Labcorp
Classification: Uncertain significance for Combined immunodeficiency due to DOCK8 deficiency. Last evaluated: 2021-08-27. Review status: criteria provided, single submitter. Criteria: Invitae Variant Classification Sherloc (09022015). Collection method: clinical testing. Allele origin: germline.
Comment: This sequence change replaces valine with alanine at codon 1335 of the DOCK8 protein (p.Val1335Ala). The valine residue is highly conserved and there is a small physicochemical difference between valine and alanine. This variant is present in population databases (rs763029509, ExAC 0.02%). This variant has not been reported in the literature in individuals affected with DOCK8-related conditions. Algorithms developed to predict the effect of missense changes on protein structure and function (SIFT, PolyPhen-2, Align-GVGD) all suggest that this variant is likely to be disruptive. In summary, the available evidence is currently insufficient to determine the role of this variant in disease. Therefore, it has been classified as a Variant of Uncertain Significance.